The following is an entry in ClinVar:

NM_013372.7(GREM1):c.163T>C (p.Ser55Pro)

Gene: GREM1 (gremlin 1, DAN family BMP antagonist; plus strand). Cytogenetic location: 15q13.3.
Variant type: single nucleotide variant.
Coding change: c.163T>C on transcript NM_013372.7 (MANE Select); coding-DNA position 163, T replaced by C.
Protein change: p.Ser55Pro; replaces serine 55 with proline.
Molecular consequence: missense variant. On other transcripts: intron variant (2).
Genome position (GRCh38, 1-based): chr15:32,730,853, T>C. VCF-style: chr15-32730853-T-C. GRCh37 (hg19) VCF-style: chr15-33023054-T-C.
Other names: c.163T>C, p.Ser55Pro (NM_001368719.1); c.114+49T>C (NM_001191323.2); c.28-75T>C (NM_001191322.2); short protein forms S55P.
Identifiers: ClinVar variation 2586802 (VCV002586802.2), dbSNP rs2548707546, ClinGen allele CA391557320.

ClinVar aggregate classification (germline): Uncertain significance (1 of 4 stars; one submission).

Conditions:
Hereditary cancer-predisposing syndrome. Also called: Hereditary neoplastic syndrome; Tumor predisposition; Hereditary Cancer Syndrome; Neoplastic Syndromes, Hereditary. Identifiers: Orphanet 140162, MedGen C0027672, MeSH D009386, MONDO:0015356.

Allele frequency attached by ClinVar (database versions not stated): gnomAD exomes below 0.00001.
gnomAD v4.1: 1 of 1,613,618 alleles (0.000062%); highest among the groups gnomAD compares: Admixed American, 0.0017%; no homozygotes.

Submission:

Ambry Genetics
Classification: Uncertain significance for Hereditary cancer-predisposing syndrome. Last evaluated: 2023-07-24. Review status: criteria provided, single submitter. Criteria: Ambry Variant Classification Scheme 2023. Collection method: clinical testing. Allele origin: germline.
Comment: The p.S55P variant (also known as c.163T>C), located in coding exon 1 of the GREM1 gene, results from a T to C substitution at nucleotide position 163. The serine at codon 55 is replaced by proline, an amino acid with similar properties. This amino acid position is conserved. In addition, this alteration is predicted to be tolerated by in silico analysis. Since supporting evidence is limited at this time, the clinical significance of this alteration remains unclear.